The following is an entry in ClinVar:

NM_005996.4(TBX3):c.1310C>G (p.Pro437Arg)

Gene: TBX3 (T-box transcription factor 3; minus strand). Cytogenetic location: 12q24.21.
Variant type: single nucleotide variant.
Coding change: c.1310C>G on transcript NM_005996.4 (MANE Select); coding-DNA position 1310, C replaced by G.
Protein change: p.Pro437Arg; replaces proline 437 with arginine.
Molecular consequence: missense variant.
Genome position (GRCh38, 1-based): chr12:114,674,565, G>C on the plus strand (C>G on the coding strand, the complement: TBX3 is on the minus strand). VCF-style: chr12-114674565-G-C. GRCh37 (hg19) VCF-style: chr12-115112370-G-C.
Other names: c.1370C>G, p.Pro457Arg (NM_016569.4); short protein forms P437R, P457R.
Identifiers: ClinVar variation 3351382 (VCV003351382.1).

ClinVar aggregate classification (germline): Uncertain significance (0 of 4 stars; one submission).

Conditions:
TBX3-related disorder. Also called: TBX3-related condition.

Submission:

PreventionGenetics, part of Exact Sciences
Classification: Uncertain significance for TBX3-related condition. Last evaluated: 2024-05-03. Review status: no assertion criteria provided. Collection method: clinical testing. Allele origin: germline.
Comment: The TBX3 c.1370C>G variant is predicted to result in the amino acid substitution p.Pro457Arg. To our knowledge, this variant has not been reported in the literature or in a large population database, indicating this variant is rare. At this time, the clinical significance of this variant is uncertain due to the absence of conclusive functional and genetic evidence.